The following is an entry in ClinVar:

ClinVar aggregate classification (germline): Benign (1 of 4 stars; one submission).

Conditions:
Pheochromocytoma/paraganglioma syndrome 3. Also called: GLOMUS TUMORS, FAMILIAL, 3; Paragangliomas 3; SDHC-Related Hereditary Paraganglioma-Pheochromocytoma Syndrome (Paragangliomas 3); SDHC-Related Hereditary Paraganglioma-Pheochromocytoma Syndrome. Identifiers: Orphanet 29072, MedGen C1854336, MONDO:0011544, OMIM 605373.

Submission:

Myriad Genetics, Inc.
Classification: Benign for Pheochromocytoma/paraganglioma syndrome 3. Last evaluated: 2025-03-14. Review status: criteria provided, single submitter. Criteria: Myriad Autosomal Dominant, Autosomal Recessive and X-Linked Classification Criteria (2023). Collection method: clinical testing. Allele origin: unknown.
Comment: This variant is considered benign. This variant is a silent/synonymous amino acid change and it is not expected to impact splicing.

NM_003001.5(SDHC):c.216T>C (p.Arg72=)

Gene: SDHC (succinate dehydrogenase complex subunit C; plus strand). Cytogenetic location: 1q23.3.
Variant type: single nucleotide variant.
Coding change: c.216T>C on transcript NM_003001.5 (MANE Select); coding-DNA position 216, T replaced by C.
Protein change: p.Arg72=; no amino-acid change (arginine 72 retained).
Molecular consequence: synonymous variant. On other transcripts: non-coding transcript variant (1).
Genome position (GRCh38, 1-based): chr1:161,340,630, T>C. VCF-style: chr1-161340630-T-C. GRCh37 (hg19) VCF-style: chr1-161310420-T-C.
Other names: c.216T>C, p.Arg72= (NM_001035511.3); c.114T>C, p.Arg38= (NM_001035512.3, NM_001278172.3, NM_001407118.1); c.57T>C, p.Arg19= (NM_001035513.3); c.336T>C, p.Arg112= (NM_001407115.1); c.159T>C, p.Arg53= (NM_001407116.1, NM_001407117.1, NM_001407121.1); c.105T>C, p.Arg35= (NM_001407119.1, NM_001407120.1).
Identifiers: ClinVar variation 3904413 (VCV003904413.1).